The following is an entry in ClinVar:

ClinVar aggregate classification (germline): Uncertain significance (1 of 4 stars; one submission).

Conditions:
Cranioectodermal dysplasia 1 (CED1). Also called: LEVIN SYNDROME I. Identifiers: Orphanet 1515, MedGen C0432235, MONDO:0021093, OMIM 218330.

Submission:

Labcorp Genetics (formerly Invitae), Labcorp
Classification: Uncertain significance for Cranioectodermal dysplasia 1. Last evaluated: 2025-10-01. Review status: criteria provided, single submitter. Criteria: Invitae Variant Classification Sherloc (09022015). Collection method: clinical testing. Allele origin: germline.
Comment: This sequence change affects codon 547 of the IFT122 mRNA. It is a 'silent' change, meaning that it does not change the encoded amino acid sequence of the IFT122 protein. This variant also falls at the last nucleotide of exon 14, which is part of the consensus splice site for this exon. This variant is not present in population databases (gnomAD no frequency). This variant has not been reported in the literature in individuals affected with IFT122-related conditions. ClinVar contains an entry for this variant (Variation ID: 1384210). Variants that disrupt the consensus splice site are a relatively common cause of aberrant splicing (PMID: 17576681, 9536098). Algorithms developed to predict the effect of sequence changes on RNA splicing suggest that this variant is not likely to affect RNA splicing. In summary, the available evidence is currently insufficient to determine the role of this variant in disease. Therefore, it has been classified as a Variant of Uncertain Significance.

Literature cited by the submitters: PubMed 17576681; PubMed 9536098.

NM_052989.3(IFT122):c.1488G>A (p.Gln496=)

Gene: IFT122 (intraflagellar transport 122; plus strand). Cytogenetic location: 3q21.3.
Variant type: single nucleotide variant.
Coding change: c.1488G>A on transcript NM_052989.3 (MANE Select); coding-DNA position 1488, G replaced by A.
Protein change: p.Gln496=; no amino-acid change (glutamine 496 retained).
Molecular consequence: synonymous variant.
Genome position (GRCh38, 1-based): chr3:129,479,922, G>A. VCF-style: chr3-129479922-G-A. GRCh37 (hg19) VCF-style: chr3-129198765-G-A.
Other names: c.1464G>A, p.Gln488= (NM_001280541.2); c.1038G>A, p.Gln346= (NM_001280545.2); c.861G>A, p.Gln287= (NM_001280546.2); c.1311G>A, p.Gln437= (NM_018262.4); c.1641G>A, p.Gln547= (NM_052985.4); c.1155G>A, p.Gln385= (NM_052990.3).
Identifiers: ClinVar variation 1384210 (VCV001384210.6), dbSNP rs2078432243, ClinGen allele CA435626601.